The following is an entry in ClinVar:

NM_015450.3(POT1):c.158C>T (p.Thr53Ile)

Gene: POT1 (protection of telomeres 1; minus strand). Cytogenetic location: 7q31.33.
Variant type: single nucleotide variant.
Coding change: c.158C>T on transcript NM_015450.3 (MANE Select); coding-DNA position 158, C replaced by T.
Protein change: p.Thr53Ile; replaces threonine 53 with isoleucine.
Molecular consequence: missense variant. On other transcripts: non-coding transcript variant (3), intron variant (1).
Genome position (GRCh38, 1-based): chr7:124,871,008, G>A on the plus strand (C>T on the coding strand, the complement: POT1 is on the minus strand). VCF-style: chr7-124871008-G-A. GRCh37 (hg19) VCF-style: chr7-124511062-G-A.
Other names: c.-138-7368C>T (NM_001042594.2); c.158C>T (NM_015450.2); short protein forms T53I.
Identifiers: ClinVar variation 1492593 (VCV001492593.9), dbSNP rs2116567708, ClinGen allele CA16616742.

ClinVar aggregate classification (germline): Uncertain significance. Review status: criteria provided, multiple submitters, no conflicts (2 of 4 stars). 2 submissions from 2 submitters: Uncertain significance (2). Last evaluated 2026-01-20.

Conditions:
Tumor predisposition syndrome 3 (TPDS3). Also called: Melanoma, cutaneous malignant, susceptibility to, 10; LONG TELOMERE SYNDROME, POT1-RELATED; POT1 Tumor Predisposition; Glioma susceptibility 9. Identifiers: Orphanet 618, MedGen C4014476, MONDO:0014368, OMIM 615848.
Hereditary cancer-predisposing syndrome. Also called: Tumor predisposition; Neoplastic Syndromes, Hereditary; Hereditary Cancer Syndrome; Hereditary neoplastic syndrome. Identifiers: Orphanet 140162, MedGen C0027672, MeSH D009386, MONDO:0015356.

Submissions (2):

Ambry Genetics
Classification: Uncertain significance for Hereditary cancer-predisposing syndrome. Last evaluated: 2026-01-20. Review status: criteria provided, single submitter. Criteria: Ambry Variant Classification Scheme 2023. Collection method: clinical testing. Allele origin: germline.
Comment: The p.T53I variant (also known as c.158C>T), located in coding exon 3 of the POT1 gene, results from a C to T substitution at nucleotide position 158. The threonine at codon 53 is replaced by isoleucine, an amino acid with similar properties. This variant was reported in individual(s) with features consistent with POT1-related tumor predisposition syndrome (Pastorino L et al. Cancers (Basel), 2020 Apr;12:). This amino acid position is not well conserved in available vertebrate species. In addition, this alteration is predicted to be tolerated by in silico analysis. Based on the available evidence, the clinical significance of this variant remains unclear.

Labcorp Genetics (formerly Invitae), Labcorp
Classification: Uncertain significance for Tumor predisposition syndrome 3. Last evaluated: 2023-10-11. Review status: criteria provided, single submitter. Criteria: Invitae Variant Classification Sherloc (09022015). Collection method: clinical testing. Allele origin: germline.
Comment: This sequence change replaces threonine, which is neutral and polar, with isoleucine, which is neutral and non-polar, at codon 53 of the POT1 protein (p.Thr53Ile). This variant is not present in population databases (gnomAD no frequency). This missense change has been observed in individual(s) with clinical features of POT1-related conditions (PMID: 32325837). ClinVar contains an entry for this variant (Variation ID: 1492593). Advanced modeling of protein sequence and biophysical properties (such as structural, functional, and spatial information, amino acid conservation, physicochemical variation, residue mobility, and thermodynamic stability) performed at Invitae indicates that this missense variant is not expected to disrupt POT1 protein function. In summary, the available evidence is currently insufficient to determine the role of this variant in disease. Therefore, it has been classified as a Variant of Uncertain Significance.

Literature cited by the submitters: PubMed 32325837 (cited by Ambry Genetics and Labcorp Genetics (formerly Invitae), Labcorp).